The following is an entry in ClinVar:

ClinVar aggregate classification (germline): Uncertain significance (1 of 4 stars; one submission).

Allele frequency attached by ClinVar (database versions not stated): ExAC 0.00001; gnomAD 0.00001; TOPMed 0.00001.
gnomAD v4.1: 7 of 1,613,860 alleles (0.00043%); highest among the groups gnomAD compares: East Asian, 0.0045%; no homozygotes.

Submission:

Labcorp Genetics (formerly Invitae), Labcorp
Classification: Uncertain significance. Last evaluated: 2022-08-09. Review status: criteria provided, single submitter. Criteria: Invitae Variant Classification Sherloc (09022015). Collection method: clinical testing. Allele origin: germline.
Comment: This sequence change replaces valine, which is neutral and non-polar, with isoleucine, which is neutral and non-polar, at codon 1511 of the VPS13A protein (p.Val1511Ile). This variant is present in population databases (rs772777445, gnomAD 0.006%). This variant has not been reported in the literature in individuals affected with VPS13A-related conditions. Algorithms developed to predict the effect of missense changes on protein structure and function output the following: SIFT: "Tolerated"; PolyPhen-2: "Benign"; Align-GVGD: "Class C0". The isoleucine amino acid residue is found in multiple mammalian species, which suggests that this missense change does not adversely affect protein function. In summary, the available evidence is currently insufficient to determine the role of this variant in disease. Therefore, it has been classified as a Variant of Uncertain Significance.

NM_033305.3(VPS13A):c.4531G>A (p.Val1511Ile)

Gene: VPS13A (vacuolar protein sorting 13 homolog A; plus strand). Cytogenetic location: 9q21.2.
Variant type: single nucleotide variant.
Coding change: c.4531G>A on transcript NM_033305.3 (MANE Select); coding-DNA position 4531, G replaced by A.
Protein change: p.Val1511Ile; replaces valine 1511 with isoleucine.
Molecular consequence: missense variant.
Genome position (GRCh38, 1-based): chr9:77,315,371, G>A. VCF-style: chr9-77315371-G-A. GRCh37 (hg19) VCF-style: chr9-79930287-G-A.
Other names: c.4414G>A, p.Val1472Ile (NM_001018037.2); c.4531G>A, p.Val1511Ile (NM_001018038.3, NM_015186.4); short protein forms V1472I, V1511I.
Identifiers: ClinVar variation 1935140 (VCV001935140.2), dbSNP rs772777445, ClinGen allele CA5092547.